The following is an entry in ClinVar:

NM_174936.4(PCSK9):c.1778_1781del (p.Glu593fs)

Gene: PCSK9 (proprotein convertase subtilisin/kexin type 9; plus strand). Cytogenetic location: 1p32.3.
Variant type: Deletion.
Coding change: c.1778_1781del on transcript NM_174936.4 (MANE Select); coding-DNA positions 1778 to 1781, 4 bases deleted (AGGC; older notation c.1778_1781delAGGC).
Protein change: p.Glu593fs; shifts the reading frame from glutamic acid 593.
Molecular consequence: frameshift variant. On other transcripts: non-coding transcript variant (8).
Genome position (GRCh38, 1-based): chr1:55,061,471-55,061,474, AGGC deleted. VCF-style (leftmost placement, unchanged base first): chr1-55061470-GAGGC-G. GRCh37 (hg19) VCF-style: chr1-55527143-GAGGC-G.
Other names: c.1586_1589del, p.Glu529fs (NM_001407245.1); c.1403_1406del, p.Glu468fs (NM_001407246.1); c.1277_1280del, p.Glu426fs (NM_001407247.1); c.1901_1904del, p.Glu634fs (NM_001407240.1); c.1820_1823del, p.Glu607fs (NM_001407241.1); c.1781_1784del, p.Glu594fs (NM_001407242.1); c.1721_1724del, p.Glu574fs (NM_001407243.1); c.1604_1607del, p.Glu535fs (NM_001407244.1); short protein forms E426fs, E468fs, E529fs, E535fs, E574fs, E593fs, E594fs, E607fs.
Identifiers: ClinVar variation 3073926 (VCV003073926.1), dbSNP rs770699863, ClinGen allele CA038865.

ClinVar aggregate classification (germline): Uncertain significance (1 of 4 stars; one submission).

Conditions:
Hypercholesterolemia, autosomal dominant, 3 (FHCL3). Also called: Familial Hypercholesterolemia, Autosomal Dominant, 3; PCSK9-Related Familial Hypercholesterolemia, Autosomal Dominant; Familial hypercholesterolemia 3. Identifiers: MedGen C1863551, MONDO:0011369, OMIM 603776.

Allele frequency attached by ClinVar (database versions not stated): ExAC 0.00001; gnomAD exomes 0.00001.

Submission:

All of Us Research Program, National Institutes of Health
Classification: Uncertain significance for Hypercholesterolemia, autosomal dominant, 3. Last evaluated: 2023-11-30. Review status: criteria provided, single submitter. Criteria: ACMG Guidelines, 2015. Collection method: clinical testing. Allele origin: germline. Inheritance: Autosomal dominant inheritance. Observed: 1 variant allele, 1 heterozygote.
Comment: This study involves interpretation of variants in research participants for the purpose of population health screening. Participant phenotype was not available at the time of variant classification. Additional details can be found in publication PMID: 35346344, PMCID: PMC8962531